The following is an entry in ClinVar:

NM_144997.7(FLCN):c.556T>C (p.Trp186Arg)

Gene: FLCN (folliculin; minus strand). Cytogenetic location: 17p11.2.
Variant type: single nucleotide variant.
Coding change: c.556T>C on transcript NM_144997.7 (MANE Select); coding-DNA position 556, T replaced by C.
Protein change: p.Trp186Arg; replaces tryptophan 186 with arginine.
Molecular consequence: missense variant.
Genome position (GRCh38, 1-based): chr17:17,223,984, A>G on the plus strand (T>C on the coding strand, the complement: FLCN is on the minus strand). VCF-style: chr17-17223984-A-G. GRCh37 (hg19) VCF-style: chr17-17127298-A-G.
Other names: c.610T>C, p.Trp204Arg (NM_001353229.2); c.556T>C, p.Trp186Arg (NM_001353230.2, NM_001353231.2, NM_144606.7); short protein forms W186R, W204R.
Identifiers: ClinVar variation 4257917 (VCV004257917.1).
Genomic context (GRCh38, chr17:17,223,984, plus strand): 5'-TGAGCGCCTTGCCCTGGAGCTCATCGATGATTCCCCGGACCTTCCCCAGCAGGAAGGGCC[A>G]GGAGTTGATGAGGTAGATCCGGTCCATCATGATGGTGATGATGCTGTACCAGCGCTGGAA-3'
Protein context (NP_659434.2, residues 176-196): MMDRIYLINS[Trp186Arg]PFLLGKVRGI

ClinVar aggregate classification (germline): Uncertain significance (1 of 4 stars; one submission).

Conditions:
Hereditary cancer-predisposing syndrome. Also called: Hereditary Cancer Syndrome; Hereditary neoplastic syndrome; Neoplastic Syndromes, Hereditary; Tumor predisposition. Identifiers: Orphanet 140162, MedGen C0027672, MeSH D009386, MONDO:0015356.

Submission:

Ambry Genetics
Classification: Uncertain significance for Hereditary cancer-predisposing syndrome. Last evaluated: 2025-06-24. Review status: criteria provided, single submitter. Criteria: Ambry Variant Classification Scheme 2023. Collection method: clinical testing. Allele origin: germline.
Comment: The p.W186R variant (also known as c.556T>C), located in coding exon 3 of the FLCN gene, results from a T to C substitution at nucleotide position 556. The tryptophan at codon 186 is replaced by arginine, an amino acid with dissimilar properties. This amino acid position is conserved. In addition, this alteration is predicted to be deleterious by in silico analysis. Based on the available evidence, the clinical significance of this variant remains unclear.